The following is an entry in ClinVar:

ClinVar aggregate classification (germline): Uncertain significance (1 of 4 stars; one submission).

Conditions:
DICER1-related tumor predisposition. Also called: DICER1-related pleuropulmonary blastoma cancer predisposition syndrome; DICER1 syndrome. Identifiers: Orphanet 284343, MedGen C3839822, MONDO:0100216.

Submission:

Labcorp Genetics (formerly Invitae), Labcorp
Classification: Uncertain significance for DICER1-related tumor predisposition. Last evaluated: 2021-12-15. Review status: criteria provided, single submitter. Criteria: Invitae Variant Classification Sherloc (09022015). Collection method: clinical testing. Allele origin: germline.
Comment: In summary, the available evidence is currently insufficient to determine the role of this variant in disease. Therefore, it has been classified as a Variant of Uncertain Significance. Algorithms developed to predict the effect of missense changes on protein structure and function are either unavailable or do not agree on the potential impact of this missense change (SIFT: "Tolerated"; PolyPhen-2: "Probably Damaging"; Align-GVGD: "Class C0"). This variant has not been reported in the literature in individuals affected with DICER1-related conditions. This variant is not present in population databases (gnomAD no frequency). This sequence change replaces threonine, which is neutral and polar, with serine, which is neutral and polar, at codon 974 of the DICER1 protein (p.Thr974Ser).

NM_177438.3(DICER1):c.2920A>T (p.Thr974Ser)

Gene: DICER1 (dicer 1, ribonuclease III; minus strand). Cytogenetic location: 14q32.13.
Variant type: single nucleotide variant.
Coding change: c.2920A>T on transcript NM_177438.3 (MANE Select); coding-DNA position 2920, A replaced by T.
Protein change: p.Thr974Ser; replaces threonine 974 with serine.
Molecular consequence: missense variant. On other transcripts: non-coding transcript variant (6).
Genome position (GRCh38, 1-based): chr14:95,106,108, T>A on the plus strand (A>T on the coding strand, the complement: DICER1 is on the minus strand). VCF-style: chr14-95106108-T-A. GRCh37 (hg19) VCF-style: chr14-95572445-T-A.
Other names: c.2920A>T, p.Thr974Ser (NM_001195573.1, NM_001271282.3, NM_001291628.2 and 13 more transcripts); c.2638A>T, p.Thr880Ser (NM_001395686.1); c.2515A>T, p.Thr839Ser (NM_001395687.1, NM_001395688.1, NM_001395689.1 and 2 more transcripts); c.2353A>T, p.Thr785Ser (NM_001395691.1); c.1237A>T, p.Thr413Ser (NM_001395697.1); short protein forms T880S, T785S, T839S, T413S, T974S.
Identifiers: ClinVar variation 2043476 (VCV002043476.4), dbSNP rs2542787151, ClinGen allele CA390878947.